The following is an entry in ClinVar:

ClinVar aggregate classification (germline): Uncertain significance (1 of 4 stars; one submission).

Conditions:
Inborn genetic diseases. Identifiers: MedGen C0950123, MeSH D030342.

gnomAD v4.1: 1 of 1,613,834 alleles (0.000062%); highest among the groups gnomAD compares: Non-Finnish European, 0.000085%; no homozygotes.

Submission:

Ambry Genetics
Classification: Uncertain significance for Inborn genetic diseases. Last evaluated: 2025-04-18. Review status: criteria provided, single submitter. Criteria: Ambry Variant Classification Scheme 2023. Collection method: clinical testing. Allele origin: germline.
Comment: The p.Y207S variant (also known as c.620A>C), located in coding exon 5 of the HAX1 gene, results from an A to C substitution at nucleotide position 620. The tyrosine at codon 207 is replaced by serine, an amino acid with dissimilar properties. This amino acid position is conserved. In addition, the in silico prediction for this alteration is inconclusive. Based on the available evidence, the clinical significance of this variant remains unclear.

NM_006118.4(HAX1):c.620A>C (p.Tyr207Ser)

Gene: HAX1 (HCLS1 associated protein X-1; plus strand). Cytogenetic location: 1q21.3.
Variant type: single nucleotide variant.
Coding change: c.620A>C on transcript NM_006118.4 (MANE Select); coding-DNA position 620, A replaced by C.
Protein change: p.Tyr207Ser; replaces tyrosine 207 with serine.
Molecular consequence: missense variant.
Genome position (GRCh38, 1-based): chr1:154,275,217, A>C. VCF-style: chr1-154275217-A-C. GRCh37 (hg19) VCF-style: chr1-154247693-A-C.
Other names: c.476A>C, p.Tyr159Ser (NM_001018837.2); short protein forms Y207S, Y159S.
Identifiers: ClinVar variation 4033845 (VCV004033845.1).